The following is an entry in ClinVar:

ClinVar aggregate classification (germline): Uncertain significance (1 of 4 stars; one submission).

Conditions:
Norman-Roberts syndrome (LIS2). Also called: Lissencephaly 2 (Norman-Roberts type). Identifiers: Orphanet 89844, MedGen C0796089, MONDO:0009760, OMIM 257320.
Familial temporal lobe epilepsy 7. Identifiers: Orphanet 101046, MedGen C4225327, MONDO:0014639, OMIM 616436.

Submission:

Labcorp Genetics (formerly Invitae), Labcorp
Classification: Uncertain significance for Familial temporal lobe epilepsy 7; Norman-Roberts syndrome. Last evaluated: 2022-07-05. Review status: criteria provided, single submitter. Criteria: Invitae Variant Classification Sherloc (09022015). Collection method: clinical testing. Allele origin: germline.
Comment: In summary, the available evidence is currently insufficient to determine the role of this variant in disease. Therefore, it has been classified as a Variant of Uncertain Significance. Algorithms developed to predict the effect of missense changes on protein structure and function are either unavailable or do not agree on the potential impact of this missense change (SIFT: "Deleterious"; PolyPhen-2: "Benign"; Align-GVGD: "Class C0"). ClinVar contains an entry for this variant (Variation ID: 846221). This variant has not been reported in the literature in individuals affected with RELN-related conditions. This variant is not present in population databases (gnomAD no frequency). This sequence change replaces isoleucine, which is neutral and non-polar, with lysine, which is basic and polar, at codon 1645 of the RELN protein (p.Ile1645Lys).

NM_005045.4(RELN):c.4934T>A (p.Ile1645Lys)

Gene: RELN (reelin; minus strand). Cytogenetic location: 7q22.1.
Variant type: single nucleotide variant.
Coding change: c.4934T>A on transcript NM_005045.4 (MANE Select); coding-DNA position 4934, T replaced by A.
Protein change: p.Ile1645Lys; replaces isoleucine 1645 with lysine.
Molecular consequence: missense variant.
Genome position (GRCh38, 1-based): chr7:103,566,226, A>T on the plus strand (T>A on the coding strand, the complement: RELN is on the minus strand). VCF-style: chr7-103566226-A-T. GRCh37 (hg19) VCF-style: chr7-103206673-A-T.
Other names: c.4934T>A, p.Ile1645Lys (NM_173054.3); short protein forms I1645K.
Identifiers: ClinVar variation 846221 (VCV000846221.9), dbSNP rs537366000, ClinGen allele CA368747556.